The following is an entry in ClinVar:

NM_015443.4(KANSL1):c.2902dup (p.Gln968fs)

Gene: KANSL1 (KAT8 regulatory NSL complex subunit 1). Cytogenetic location: 17q21.31.
Variant type: Duplication.
Coding change: c.2902dup on transcript NM_015443.4 (MANE Select); coding-DNA position 2902, one base duplicated.
Protein change: p.Gln968fs; shifts the reading frame from glutamine 968.
Molecular consequence: frameshift variant.
Genome position: GRCh38 VCF-style: chr17-46032234-T-TG. GRCh37 (hg19) VCF-style: chr17-44109600-T-TG.
Other names: c.2899dup, p.Gln967fs (NM_001193465.2); c.2902dup, p.Gln968fs (NM_001193466.2, NM_001379198.1); short protein forms Q967fs, Q968fs.
Identifiers: ClinVar variation 817270 (VCV000817270.2), dbSNP rs1374665357, ClinGen allele CA915950167.

ClinVar aggregate classification (germline): Pathogenic/Likely pathogenic. Review status: criteria provided, multiple submitters, no conflicts (2 of 4 stars). 2 submissions from 2 submitters: Pathogenic (1); Likely pathogenic (1). Last evaluated 2023-08-10.

Conditions:
Koolen-de Vries syndrome (KDVS). Identifiers: Orphanet 96169, MedGen C1864871, MONDO:0012496, OMIM 610443.

Submissions (2):

Department of Human Genetics, Hannover Medical School
Classification: Likely pathogenic for Koolen-de Vries syndrome. Last evaluated: 2023-08-10. Review status: criteria provided, single submitter. Criteria: ACMG Guidelines, 2015. Collection method: clinical testing. Allele origin: germline. Inheritance: Autosomal dominant inheritance. Affected: yes.

GeneDx
Classification: Pathogenic. Last evaluated: 2018-09-26. Review status: criteria provided, single submitter. Criteria: GeneDx Variant Classification (06012015). Collection method: clinical testing. Allele origin: germline. Affected: yes.
Comment: The c.2902dupC pathogenic variant in the KANSL1 gene causes a frameshift starting with codon Glutamine 968, changes this amino acid to a Proline residue and creates a premature Stop codon at position 6 of the new reading frame, denoted p.Gln968ProfsX6. This pathogenic variant is predicted to cause loss of normal protein function either through protein truncation or nonsense-mediated mRNA decay. The c.2902dupC variant is not observed in large population cohorts (Lek et al., 2016).